The following is an entry in ClinVar:

ClinVar aggregate classification (germline): Conflicting classifications of pathogenicity. Review status: criteria provided, conflicting classifications (1 of 4 stars). 7 submissions from 7 submitters: Uncertain significance (1); Benign (1); Likely benign (4). 1 of the submissions does not count toward it. Last evaluated 2026-01-28.

Conditions:
FLNA-related disorder.
Melnick-Needles syndrome (MNS). Also called: OSTEODYSPLASTY OF MELNICK AND NEEDLES; MELNICK-NEEDLES OSTEODYSPLASTY; Melnick-Needles Syndrome (FLNA-MNS). Identifiers: Orphanet 2484, MedGen C0025237, MONDO:0010650, OMIM 309350.
Frontometaphyseal dysplasia (FMD1). Identifiers: Orphanet 1826, MedGen C0265293, MONDO:0015942.
Heterotopia, periventricular, X-linked dominant (PVNH1). Also called: PERIVENTRICULAR NODULAR HETEROTOPIA 1; PERIVENTRICULAR NODULAR HETEROTOPIA 4; HETEROTOPIA, PERIVENTRICULAR, 1; X-linked periventricular heterotopia. Identifiers: Orphanet 2149, Orphanet 82004, MedGen C1848213, MONDO:0010233, OMIM 300049.
Oto-palato-digital syndrome, type II (OPD2). Also called: OPD II SYNDROME; FACIOPALATOOSSEOUS SYNDROME; Otopalatodigital Syndrome Type 2 (FLNA-OPD2); Otopalatodigital Syndrome, Type II. Identifiers: Orphanet 669, Orphanet 90652, MedGen C1844696, MONDO:0010571, OMIM 304120.
Familial thoracic aortic aneurysm and aortic dissection (TAAD). Also called: Thoracic aortic aneurysms and dissections. Identifiers: Orphanet 91387, MedGen C4707243, MONDO:0019625.

Allele frequency attached by ClinVar (database versions not stated): TOPMed 0.00003; ExAC 0.00016.
gnomAD v4.1: 73 of 1,209,545 alleles (0.006%); highest among the groups gnomAD compares: South Asian, 0.074%; no homozygotes.

Submissions (7):

Labcorp Genetics (formerly Invitae), Labcorp
Classification: Benign for Oto-palato-digital syndrome, type II; Heterotopia, periventricular, X-linked dominant; Frontometaphyseal dysplasia; Melnick-Needles syndrome. Last evaluated: 2026-01-28. Review status: criteria provided, single submitter. Criteria: Invitae Variant Classification Sherloc (09022015). Collection method: clinical testing. Allele origin: germline.

Blueprint Genetics
Classification: Likely benign. Last evaluated: 2024-10-07. Review status: criteria provided, single submitter. Criteria: ACMG Guidelines, 2015. Collection method: clinical testing. Allele origin: germline.

CeGaT Center for Human Genetics Tuebingen
Classification: Likely benign. Last evaluated: 2024-10-01. Review status: criteria provided, single submitter. Criteria: CeGaT Center For Human Genetics Tuebingen Variant Classification Criteria Version 2. Collection method: clinical testing. Allele origin: germline. Affected: yes. Observed: 1 variant allele.
Comment: FLNA: BP4, BP7, BS2

Genetic Services Laboratory, University of Chicago
Classification: Likely benign. Last evaluated: 2019-05-01. Review status: criteria provided, single submitter. Criteria: ACMG Guidelines, 2015. Collection method: clinical testing. Allele origin: germline. Affected: no.

Ambry Genetics
Classification: Likely benign for Familial thoracic aortic aneurysm and aortic dissection. Last evaluated: 2018-11-27. Review status: criteria provided, single submitter. Criteria: Ambry Variant Classification Scheme 2023. Collection method: clinical testing. Allele origin: germline.

Eurofins Ntd Llc (ga)
Classification: Uncertain significance. Last evaluated: 2017-01-06. Review status: criteria provided, single submitter. Criteria: EGL Classification Definitions 2015. Collection method: clinical testing. Allele origin: germline. Observed: 1 variant allele, 1 heterozygote.

PreventionGenetics, part of Exact Sciences
Classification: Likely benign for FLNA-related condition. Last evaluated: 2021-02-22. Review status: no assertion criteria provided. Collection method: clinical testing. Allele origin: germline. Not counted in ClinVar's aggregate classification.
Comment: This variant is classified as likely benign based on ACMG/AMP sequence variant interpretation guidelines (Richards et al. 2015 PMID: 25741868, with internal and published modifications).

NM_001110556.2(FLNA):c.7092C>A (p.Ile2364=)

Gene: FLNA (filamin A; minus strand). Cytogenetic location: Xq28.
Variant type: single nucleotide variant.
Coding change: c.7092C>A on transcript NM_001110556.2 (MANE Select); coding-DNA position 7092, C replaced by A.
Protein change: p.Ile2364=; no amino-acid change (isoleucine 2364 retained).
Molecular consequence: synonymous variant.
Genome position (GRCh38, 1-based): chrX:154,350,973, G>T on the plus strand (C>A on the coding strand, the complement: FLNA is on the minus strand). VCF-style: chrX-154350973-G-T. GRCh37 (hg19) VCF-style: chrX-153579341-G-T.
Other names: c.7068C>A, p.Ile2356= (NM_001456.4); c.7092C>A (NM_001110556.1).
Identifiers: ClinVar variation 498632 (VCV000498632.37), dbSNP rs782591917, ClinGen allele CA10559957.